The following is an entry in ClinVar:

NM_000548.5(TSC2):c.3723C>T (p.Phe1241=)

Gene: TSC2 (TSC complex subunit 2; plus strand). Cytogenetic location: 16p13.3.
Variant type: single nucleotide variant.
Coding change: c.3723C>T on transcript NM_000548.5 (MANE Select); coding-DNA position 3723, C replaced by T.
Protein change: p.Phe1241=; no amino-acid change (phenylalanine 1241 retained).
Molecular consequence: synonymous variant.
Genome position (GRCh38, 1-based): chr16:2,081,707, C>T. VCF-style: chr16-2081707-C-T. GRCh37 (hg19) VCF-style: chr16-2131708-C-T.
Other names: c.3591C>T, p.Phe1197= (NM_001077183.3, NM_001370404.1); c.3723C>T, p.Phe1241= (NM_001114382.3); c.3483C>T, p.Phe1161= (NM_001318827.2); c.3447C>T, p.Phe1149= (NM_001318829.2); c.2991C>T, p.Phe997= (NM_001318831.2); c.3624C>T, p.Phe1208= (NM_001318832.2); c.3594C>T, p.Phe1198= (NM_001363528.2, NM_001370405.1, NM_021055.3).
Identifiers: ClinVar variation 49271 (VCV000049271.55), dbSNP rs45486193, ClinGen allele CA019510.
Genomic context (GRCh38, chr16:2,081,707, plus strand): 5'-GGACATCAACAACATGCCCCTGCAGGAGCTGTCTAACGCCCTCATGGCGGCTGAGCGCTT[C>T]AAGGAGCACCGGGACACAGCCCTGTACAAGTCACTGTCGGTGCCGGCAGCCAGCACGGCC-3'
Protein context (NP_000539.2, residues 1231-1251): LSNALMAAER[Phe1241=]KEHRDTALYK

ClinVar aggregate classification (germline): Conflicting classifications of pathogenicity. Review status: criteria provided, conflicting classifications (1 of 4 stars). 16 submissions from 16 submitters: Uncertain significance (1); Benign (9); Likely benign (3). 3 of the submissions do not count toward it. Last evaluated 2026-01-31.

Conditions:
Hereditary cancer-predisposing syndrome. Also called: Hereditary Cancer Syndrome; Tumor predisposition; Neoplastic Syndromes, Hereditary; Hereditary neoplastic syndrome. Identifiers: Orphanet 140162, MedGen C0027672, MeSH D009386, MONDO:0015356.
Tuberous sclerosis syndrome (TSC). Also called: Tuberous Sclerosis Complex; Tuberous sclerosis. Identifiers: Orphanet 805, MedGen C0041341, MONDO:0001734.
Tuberous sclerosis 2 (TSC2). Identifiers: Orphanet 805, MedGen C1860707, MONDO:0013199, OMIM 613254.

Allele frequency attached by ClinVar (database versions not stated): TOPMed 0.00085; ESP Exome Variant Server 0.00123; gnomAD exomes 0.00007 and 0.00024; ExAC 0.00032; 1000 Genomes Project 0.00060; gnomAD 0.00076 and 0.00082; 1000 Genomes Project 30x 0.00078.
gnomAD v4.1: 222 of 1,612,974 alleles (0.014%); highest among the groups gnomAD compares: African/African-American, 0.27%; no homozygotes.

Submissions (16):

Labcorp Genetics (formerly Invitae), Labcorp
Classification: Benign for Tuberous sclerosis 2. Last evaluated: 2026-01-31. Review status: criteria provided, single submitter. Criteria: Invitae Variant Classification Sherloc (09022015). Collection method: clinical testing. Allele origin: germline.

Myriad Genetics, Inc.
Classification: Benign for Tuberous sclerosis 2. Last evaluated: 2025-05-30. Review status: criteria provided, single submitter. Criteria: Myriad Autosomal Dominant, Autosomal Recessive and X-Linked Classification Criteria (2023). Collection method: clinical testing. Allele origin: unknown.
Comment: This variant is considered benign. This variant is a silent/synonymous amino acid change and it is not expected to impact splicing.

Blueprint Genetics
Classification: Likely benign. Last evaluated: 2024-10-08. Review status: criteria provided, single submitter. Criteria: ACMG Guidelines, 2015. Collection method: clinical testing. Allele origin: germline.

All of Us Research Program, National Institutes of Health
Classification: Benign for Tuberous sclerosis syndrome. Last evaluated: 2024-02-05. Review status: criteria provided, single submitter. Criteria: ACMG Guidelines, 2015. Collection method: clinical testing. Allele origin: germline. Inheritance: Autosomal dominant inheritance. Observed: 48 variant alleles, 48 heterozygotes.
Comment: This study involves interpretation of variants in research participants for the purpose of population health screening. Participant phenotype was not available at the time of variant classification. Additional details can be found in publication PMID: 35346344, PMCID: PMC8962531

ARUP Laboratories, Molecular Genetics and Genomics, ARUP Laboratories
Classification: Benign. Last evaluated: 2023-11-17. Review status: criteria provided, single submitter. Criteria: ARUP Molecular Germline Variant Investigation Process 2024. Collection method: clinical testing. Allele origin: germline.

CeGaT Center for Human Genetics Tuebingen
Classification: Likely benign. Last evaluated: 2023-08-01. Review status: criteria provided, single submitter. Criteria: CeGaT Center For Human Genetics Tuebingen Variant Classification Criteria Version 2. Collection method: clinical testing. Allele origin: germline. Affected: yes. Observed: 1 variant allele.
Comment: TSC2: BP4, BP7, BS1

Color Diagnostics, LLC DBA Color Health
Classification: Benign for Tuberous sclerosis syndrome. Last evaluated: 2022-10-03. Review status: criteria provided, single submitter. Criteria: ACMG Guidelines, 2015. Collection method: clinical testing. Allele origin: germline.

Genome-Nilou Lab
Classification: Benign for Tuberous sclerosis 2. Last evaluated: 2021-11-07. Review status: criteria provided, single submitter. Criteria: ACMG Guidelines, 2015. Collection method: clinical testing. Allele origin: germline. Affected: no.

Sema4
Classification: Benign for Hereditary cancer-predisposing syndrome. Last evaluated: 2020-12-03. Review status: criteria provided, single submitter. Criteria: Sema4 Curation Guidelines. Collection method: curation. Allele origin: germline.

GeneDx
Classification: Benign. Last evaluated: 2019-08-09. Review status: criteria provided, single submitter. Criteria: GeneDx Variant Classification Process June 2021. Collection method: clinical testing. Allele origin: germline. Affected: yes.
Comment: This variant is associated with the following publications: (PMID: 17304050)

Athena Diagnostics
Classification: Benign. Last evaluated: 2017-11-22. Review status: criteria provided, single submitter. Criteria: Athena Diagnostics Criteria. Collection method: clinical testing. Allele origin: germline.

Eurofins Ntd Llc (ga)
Classification: Uncertain significance. Last evaluated: 2016-10-06. Review status: criteria provided, single submitter. Criteria: EGL Classification Definitions 2015. Collection method: clinical testing. Allele origin: germline. Observed: 2 variant alleles, 2 heterozygotes.

Ambry Genetics
Classification: Likely benign for Hereditary cancer-predisposing syndrome. Last evaluated: 2014-09-24. Review status: criteria provided, single submitter. Criteria: Ambry Variant Classification Scheme 2023. Collection method: clinical testing. Allele origin: germline.

Clinical Genetics DNA and cytogenetics Diagnostics Lab, Erasmus MC, Erasmus Medical Center
Classification: Likely benign. Review status: no assertion criteria provided. Collection method: clinical testing. Allele origin: germline. Affected: yes. Study: VKGL Data-share Consensus. Not counted in ClinVar's aggregate classification.

Genome Diagnostics Laboratory, Amsterdam University Medical Center
Classification: Likely benign. Review status: no assertion criteria provided. Collection method: clinical testing. Allele origin: germline. Affected: yes. Study: VKGL Data-share Consensus. Not counted in ClinVar's aggregate classification.

Tuberous sclerosis database (TSC2)
No classification provided. Condition: TSC. Review status: no classification provided. Criteria: Tuberous Sclerosis Database Assertion Criteria 2015. Collection method: curation. Allele origin: germline. Affected: yes. Not counted in ClinVar's aggregate classification.

Literature cited by the submitters: PubMed 17304050 (cited by Athena Diagnostics).